The following is an entry in ClinVar:

ClinVar aggregate classification (germline): Conflicting classifications of pathogenicity. Review status: criteria provided, conflicting classifications (1 of 4 stars). 2 submissions from 2 submitters: Pathogenic (1); Uncertain significance (1). Last evaluated 2025-05-09.

Conditions:
Hereditary cancer-predisposing syndrome. Also called: Neoplastic Syndromes, Hereditary; Tumor predisposition; Hereditary neoplastic syndrome; Hereditary Cancer Syndrome. Identifiers: Orphanet 140162, MedGen C0027672, MeSH D009386, MONDO:0015356.

Submissions (2):

Ambry Genetics
Classification: Uncertain significance for Hereditary cancer-predisposing syndrome. Last evaluated: 2025-05-09. Review status: criteria provided, single submitter. Criteria: Ambry Variant Classification Scheme 2023. Collection method: clinical testing. Allele origin: germline.
Comment: The c.4928_4931dupTGTC variant, located in coding exon 37 of the POLE gene, results from a duplication of TGTC at nucleotide position 4928, causing a translational frameshift with a predicted alternate stop codon (p.Q1645Vfs*50). This alteration is expected to result in loss of function by premature protein truncation or nonsense-mediated mRNA decay. Although biallelic loss of function of POLE has been associated with autosomal recessive POLE deficiency, haploinsufficiency of POLE has not been established as a mechanism of disease for POLE-related polymerase proofreading-associated polyposis (PPAP) and POLE-related CMMRD-like syndrome. Based on the supporting evidence, this variant is expected to be causative of POLE deficiency when present along with a second pathogenic variant on the other allele; however, its clinical significance for PPAP and POLE-related CMMRD-like syndrome is unclear.

Labcorp Genetics (formerly Invitae), Labcorp
Classification: Pathogenic. Last evaluated: 2023-11-27. Review status: criteria provided, single submitter. Criteria: Invitae Variant Classification Sherloc (09022015). Collection method: clinical testing. Allele origin: germline.
Comment: This sequence change creates a premature translational stop signal (p.Gln1645Valfs*50) in the POLE gene. It is expected to result in an absent or disrupted protein product. Loss-of-function variants in POLE are known to be pathogenic (PMID: 23230001, 25948378, 30503519). This variant is not present in population databases (gnomAD no frequency). This variant has not been reported in the literature in individuals affected with POLE-related conditions. ClinVar contains an entry for this variant (Variation ID: 825296). For these reasons, this variant has been classified as Pathogenic.

Literature cited by the submitters: PubMed 23230001 (cited by Labcorp Genetics (formerly Invitae), Labcorp); PubMed 25948378 (cited by Labcorp Genetics (formerly Invitae), Labcorp); PubMed 30503519 (cited by Labcorp Genetics (formerly Invitae), Labcorp).

NM_006231.4(POLE):c.4928_4931dup (p.Gln1645fs)

Gene: POLE (DNA polymerase epsilon, catalytic subunit; minus strand). Cytogenetic location: 12q24.33.
Variant type: Duplication.
Coding change: c.4928_4931dup on transcript NM_006231.4 (MANE Select); coding-DNA positions 4928 to 4931, 4 bases duplicated (TGTC; older notation c.4928_4931dupTGTC).
Protein change: p.Gln1645fs; shifts the reading frame from glutamine 1645.
Molecular consequence: frameshift variant.
Genome position (GRCh38, 1-based): chr12:132,642,527-132,642,530, GACA duplicated on the plus strand (TGTC on the coding strand, the reverse complement: POLE is on the minus strand); duplicating any 4 consecutive bases within chr12:132,642,527-132,642,531 gives the same sequence; the c. name uses the placement nearest the transcript's 3' end. VCF-style (leftmost placement, unchanged base first): chr12-132642526-C-CGACA. GRCh37 (hg19) VCF-style: chr12-133219112-C-CGACA.
Other names: short protein forms Q1645fs.
Identifiers: ClinVar variation 825296 (VCV000825296.15), dbSNP rs1593730668, ClinGen allele CA915946816.